The following is an entry in ClinVar:

ClinVar aggregate classification (germline): Uncertain significance (0 of 4 stars; one submission).

Conditions:
ZNF462-related disorder. Also called: ZNF462-related condition; ZNF462 related disease.

gnomAD v4.1: 15 of 1,614,026 alleles (0.00093%); highest among the groups gnomAD compares: African/African-American, 0.0013%; no homozygotes.

Submission:

PreventionGenetics, part of Exact Sciences
Classification: Uncertain significance for ZNF462-related condition. Last evaluated: 2024-05-07. Review status: no assertion criteria provided. Collection method: clinical testing. Allele origin: germline.
Comment: The ZNF462 c.590C>A variant is predicted to result in the amino acid substitution p.Pro197His. To our knowledge, this variant has not been reported in the literature or in a large population database, indicating this variant is rare. At this time, the clinical significance of this variant is uncertain due to the absence of conclusive functional and genetic evidence.

NM_021224.6(ZNF462):c.590C>A (p.Pro197His)

Gene: ZNF462 (zinc finger protein 462; plus strand). Cytogenetic location: 9q31.2.
Variant type: single nucleotide variant.
Coding change: c.590C>A on transcript NM_021224.6 (MANE Select); coding-DNA position 590, C replaced by A.
Protein change: p.Pro197His; replaces proline 197 with histidine.
Molecular consequence: missense variant.
Genome position (GRCh38, 1-based): chr9:106,924,502, C>A. VCF-style: chr9-106924502-C-A. GRCh37 (hg19) VCF-style: chr9-109686783-C-A.
Other names: c.590C>A, p.Pro197His (NM_001347997.2); short protein forms P197H.
Identifiers: ClinVar variation 3349351 (VCV003349351.1).